The following is an entry in ClinVar:

ClinVar aggregate classification (germline): Likely benign (0 of 4 stars; one submission).

Conditions:
ACTC1-related disorder. Also called: ACTC1-related condition.

Submission:

PreventionGenetics, part of Exact Sciences
Classification: Likely benign for ACTC1-related condition. Last evaluated: 2023-04-17. Review status: no assertion criteria provided. Collection method: clinical testing. Allele origin: germline.
Comment: This variant is classified as likely benign based on ACMG/AMP sequence variant interpretation guidelines (Richards et al. 2015 PMID: 25741868, with internal and published modifications).

NM_005159.5(ACTC1):c.603C>G (p.Ser201=)

Genes: ACTC1 (actin alpha cardiac muscle 1; minus strand), GJD2-DT (GJD2 divergent transcript; plus strand). Cytogenetic location: 15q14.
Variant type: single nucleotide variant.
Coding change: c.603C>G on transcript NM_005159.5 (MANE Select); coding-DNA position 603, C replaced by G.
Protein change: p.Ser201=; no amino-acid change (serine 201 retained).
Molecular consequence: synonymous variant.
Genome position (GRCh38, 1-based): chr15:34,792,421, G>C on the plus strand (C>G on the coding strand, the complement: ACTC1 is on the minus strand). VCF-style: chr15-34792421-G-C. GRCh37 (hg19) VCF-style: chr15-35084622-G-C.
Other names: c.603C>G, p.Ser201= (NM_001406482.1, NM_001406483.1); c.468C>G, p.Ser156= (NM_001406484.1); c.162C>G, p.Ser54= (NM_001406485.1).
Identifiers: ClinVar variation 3052572 (VCV003052572.2), dbSNP rs2140430845, ClinGen allele CA489655413.